The following is an entry in ClinVar:

ClinVar aggregate classification (germline): Uncertain significance (1 of 4 stars; one submission).

Allele frequency attached by ClinVar (database versions not stated): gnomAD exomes below 0.00001.
gnomAD v4.1: 2 of 1,586,598 alleles (0.00013%); highest among the groups gnomAD compares: Non-Finnish European, 0.00017%; no homozygotes.

Submission:

Ambry Genetics
Classification: Uncertain significance. Last evaluated: 2023-06-29. Review status: criteria provided, single submitter. Criteria: Ambry Variant Classification Scheme 2023. Collection method: clinical testing. Allele origin: germline.
Comment: The p.Y300H variant (also known as c.898T>C), located in coding exon 9 of the KIF1B gene, results from a T to C substitution at nucleotide position 898. The tyrosine at codon 300 is replaced by histidine, an amino acid with similar properties. This amino acid position is conserved. In addition, this alteration is predicted to be deleterious by in silico analysis. Since supporting evidence is limited at this time, the clinical significance of this alteration remains unclear.

NM_001365951.3(KIF1B):c.916T>C (p.Tyr306His)

Gene: KIF1B (kinesin family member 1B; plus strand). Cytogenetic location: 1p36.22.
Variant type: single nucleotide variant.
Coding change: c.916T>C on transcript NM_001365951.3 (MANE Select); coding-DNA position 916, T replaced by C.
Protein change: p.Tyr306His; replaces tyrosine 306 with histidine.
Molecular consequence: missense variant.
Genome position (GRCh38, 1-based): chr1:10,275,461, T>C. VCF-style: chr1-10275461-T-C. GRCh37 (hg19) VCF-style: chr1-10335519-T-C.
Other names: c.916T>C, p.Tyr306His (NM_001365952.1); c.898T>C, p.Tyr300His (NM_001365953.1, NM_015074.3, NM_183416.4); short protein forms Y300H, Y306H.
Identifiers: ClinVar variation 2625696 (VCV002625696.2), dbSNP rs2521148942, ClinGen allele CA338332534.
Genomic context (GRCh38, chr1:10,275,461, plus strand): 5'-CTAAGACCATTTCTTTTCCTTTAATAGAGTAAAAAGAAGAAGAAAACAGATTTTATTCCC[T>C]ACAGGGATTCTGTACTTACTTGGCTCCTTCGAGAAAATTTAGGTATGTTGACCACTAGTG-3'
Protein context (NP_001352880.1, residues 296-316): KKKKKTDFIP[Tyr306His]RDSVLTWLLR